The following is an entry in ClinVar:

ClinVar aggregate classification (germline): Uncertain significance. Review status: criteria provided, multiple submitters, no conflicts (2 of 4 stars). 2 submissions from 2 submitters: Uncertain significance (2). Last evaluated 2023-04-14.

Conditions:
TNXB-related disorder. Also called: TNXB-related condition.
Cardiovascular phenotype. Identifiers: MedGen CN230736.

Allele frequency attached by ClinVar (database versions not stated): gnomAD 0.00001; TOPMed 0.00002.

Submissions (2):

Ambry Genetics
Classification: Uncertain significance for Cardiovascular phenotype. Last evaluated: 2023-04-14. Review status: criteria provided, single submitter. Criteria: Ambry Variant Classification Scheme 2023. Collection method: clinical testing. Allele origin: germline.
Comment: The p.P3010L variant (also known as c.9029C>T), located in coding exon 25 of the TNXB gene, results from a C to T substitution at nucleotide position 9029. The proline at codon 3010 is replaced by leucine, an amino acid with similar properties. This amino acid position is conserved. In addition, this alteration is predicted to be tolerated by in silico analysis. Since supporting evidence is limited at this time, the clinical significance of this alteration remains unclear.

PreventionGenetics, part of Exact Sciences
Classification: Uncertain significance for TNXB-related condition. Last evaluated: 2022-08-26. Review status: criteria provided, single submitter. Criteria: ACMG Guidelines, 2015. Collection method: clinical testing. Allele origin: germline.
Comment: The TNXB c.9029C>T variant is predicted to result in the amino acid substitution p.Pro3010Leu. To our knowledge, this variant has not been reported in the literature or in a large population database, indicating this variant is rare. At this time, the clinical significance of this variant is uncertain due to the absence of conclusive functional and genetic evidence.

NM_001365276.2(TNXB):c.9035C>T (p.Pro3012Leu)

Gene: TNXB (tenascin XB; minus strand). Cytogenetic location: 6p21.33.
Variant type: single nucleotide variant.
Coding change: c.9035C>T on transcript NM_001365276.2 (MANE Select); coding-DNA position 9035, C replaced by T.
Protein change: p.Pro3012Leu; replaces proline 3012 with leucine.
Molecular consequence: missense variant.
Genome position (GRCh38, 1-based): chr6:32,052,750, G>A on the plus strand (C>T on the coding strand, the complement: TNXB is on the minus strand). VCF-style: chr6-32052750-G-A. GRCh37 (hg19) VCF-style: chr6-32020527-G-A.
Other names: c.9029C>T, p.Pro3010Leu (NM_019105.8); short protein forms P3010L, P3012L.
Identifiers: ClinVar variation 2562161 (VCV002562161.3), dbSNP rs1267626244, ClinGen allele CA363545044.